The following is an entry in ClinVar:

ClinVar aggregate classification (germline): Benign/Likely benign. Review status: criteria provided, multiple submitters, no conflicts (2 of 4 stars). 3 submissions from 3 submitters: Benign (2); Likely benign (1). Last evaluated 2021-10-08.

Conditions:
Nephrotic syndrome, type 9 (NPHS9). Identifiers: Orphanet 656, MedGen C3809965, MONDO:0014257, OMIM 615573.

Allele frequency attached by ClinVar (database versions not stated): gnomAD exomes 0.00329 and 0.00142; ExAC 0.00794; gnomAD 0.00969 and 0.00916; TOPMed 0.01058; 1000 Genomes Project 30x 0.00999; 1000 Genomes Project 0.00998; ESP Exome Variant Server 0.01100.

Submissions (3):

Fulgent Genetics
Classification: Likely benign for Nephrotic syndrome, type 9. Last evaluated: 2021-10-08. Review status: criteria provided, single submitter. Criteria: ACMG Guidelines, 2015. Collection method: clinical testing. Allele origin: unknown.

Mayo Clinic Laboratories, Mayo Clinic
Classification: Benign. Last evaluated: 2020-11-16. Review status: criteria provided, single submitter. Criteria: ACMG Guidelines, 2015. Collection method: clinical testing. Allele origin: germline. Observed: 6 variant alleles.

GeneDx
Classification: Benign. Last evaluated: 2016-07-12. Review status: criteria provided, single submitter. Criteria: GeneDx Variant Classification (06012015). Collection method: clinical testing. Allele origin: germline. Affected: yes.
Comment: This variant is considered likely benign or benign based on one or more of the following criteria: it is a conservative change, it occurs at a poorly conserved position in the protein, it is predicted to be benign by multiple in silico algorithms, and/or has population frequency not consistent with disease.

NM_024876.4(COQ8B):c.*10T>C

Gene: COQ8B (coenzyme Q8B; minus strand). Cytogenetic location: 19q13.2.
Variant type: single nucleotide variant.
Coding change: c.*10T>C on transcript NM_024876.4 (MANE Select); 10 bases downstream of the stop codon, T replaced by C.
Molecular consequence: 3 prime UTR variant.
Genome position (GRCh38, 1-based): chr19:40,692,025, A>G on the plus strand (T>C on the coding strand, the complement: COQ8B is on the minus strand). VCF-style: chr19-40692025-A-G. GRCh37 (hg19) VCF-style: chr19-41197930-A-G.
Other names: c.*10T>C (NM_001142555.3).
Identifiers: ClinVar variation 385429 (VCV000385429.3), dbSNP rs61742811, ClinGen allele CA9449963.